The following is an entry in ClinVar:

NM_001754.5(RUNX1):c.1269C>T (p.Arg423=)

Gene: RUNX1 (RUNX family transcription factor 1; minus strand). Cytogenetic location: 21q22.12.
Variant type: single nucleotide variant.
Coding change: c.1269C>T on transcript NM_001754.5 (MANE Select); coding-DNA position 1269, C replaced by T.
Protein change: p.Arg423=; no amino-acid change (arginine 423 retained).
Molecular consequence: synonymous variant.
Genome position (GRCh38, 1-based): chr21:34,792,309, G>A on the plus strand (C>T on the coding strand, the complement: RUNX1 is on the minus strand). VCF-style: chr21-34792309-G-A. GRCh37 (hg19) VCF-style: chr21-36164606-G-A.
Other names: NM_001754.4(RUNX1):c.1269C>T; NM_001754.5(RUNX1):c.1269C>T; c.1188C>T, p.Arg396= (NM_001001890.3).
Identifiers: ClinVar variation 239042 (VCV000239042.29), dbSNP rs544247912, ClinGen allele CA10014189.
Genomic context (GRCh38, chr21:34,792,309, plus strand): 5'-GTTGAGCAGCGCGGAGCCGGTGGAGGCGTTGGTGCAGGGCGGCAGGATGCGCGGCGGCGA[G>A]CGCTCGCCGCCCACCATGGAGAACTGGTAGGAGCCGGCCGAGGCGCCGTAGTACAGGTGG-3'
Protein context (NP_001745.2, residues 413-433): SYQFSMVGGE[Arg423=]SPPRILPPCT

ClinVar aggregate classification (germline): Likely benign. Review status: reviewed by expert panel (3 of 4 stars). 13 submissions from 12 submitters: Likely benign (1). 12 of the submissions do not count toward it. Last evaluated 2025-05-02.

Conditions:
Hereditary thrombocytopenia and hematologic cancer predisposition syndrome. Identifiers: Orphanet 71290, MedGen CN281654, MONDO:0011071.
Inborn genetic diseases. Identifiers: MedGen C0950123, MeSH D030342.
Hereditary cancer-predisposing syndrome. Also called: Tumor predisposition; Hereditary Cancer Syndrome; Neoplastic Syndromes, Hereditary; Hereditary neoplastic syndrome. Identifiers: Orphanet 140162, MedGen C0027672, MeSH D009386, MONDO:0015356.
Acute myeloid leukemia (AML). Also called: Acute myeloid leukemia, adult; AML adult; Acute non-lymphocytic leukemia; Acute granulocytic leukemia; Leukemia, acute myelogenous, somatic; Leukemia, acute myeloid, somatic. Identifiers: Orphanet 519, MedGen C0023467, MeSH D015470, MONDO:0018874, OMIM 601626, HP:0004808. Disease mechanism: Constitutively activated FLT3.
Hereditary thrombocytopenia and hematological cancer predisposition syndrome associated with RUNX1. Also called: RUNX1 Familial Platelet Disorder with Associated Myeloid Malignancies; Familial Platelet Disorder with Propensity to Acute Myelogenous Leukemia; PLATELET DISORDER, ASPIRIN-LIKE; Familial thrombocytopenia with propensity to acute myelogenous leukemia. Identifiers: Orphanet 71290, MedGen C1832388, MeSH C563324, MONDO:0100083, OMIM 601399.

Allele frequency attached by ClinVar (database versions not stated): 1000 Genomes Project 30x 0.00016; 1000 Genomes Project 0.00020; gnomAD 0.00040 and 0.00041; TOPMed 0.00042; ExAC 0.00108.
gnomAD v4.1: 840 of 1,542,486 alleles (0.054%); highest among the groups gnomAD compares: Middle Eastern, 0.44%; 2 homozygotes.

Submissions (13):

ClinGen Myeloid Malignancy Variant Curation Expert Panel
Classification: Likely benign for Hereditary thrombocytopenia and hematologic cancer predisposition syndrome. Last evaluated: 2025-05-02. Review status: reviewed by expert panel. Criteria: ClinGen MyeloMalig ACMG Specifications v2. Collection method: curation. Allele origin: germline. Inheritance: Autosomal dominant inheritance.
Comment: NM_001754.5(RUNX1):c.1269C>T (p.Arg423=) is a synonymous variant which has a MAF of 0.0003400 (0.034%, 23/67652 alleles) in the European non-Finnish subpopulation of the gnomAD v3 cohort, meeting the threshold for BS1. This variant has a SpliceAI score ≤ 0.20 (0.0) (BP4), and evolutionary conservation algorithms predict the site as not being conserved (PhyloP score ≤ 2.0 (0.62)) (BP7). In summary, this variant meets criteria to be classified as likely benign. ACMG/AMP criteria applied, as specified by the Myeloid Malignancy Variant Curation Expert Panel for RUNX1: BS1, BP4, BP7.

Labcorp Genetics (formerly Invitae), Labcorp
Classification: Benign for Hereditary thrombocytopenia and hematological cancer predisposition syndrome associated with RUNX1. Last evaluated: 2026-01-19. Review status: criteria provided, single submitter. Criteria: Invitae Variant Classification Sherloc (09022015). Collection method: clinical testing. Allele origin: germline. Not counted in ClinVar's aggregate classification.

Mayo Clinic Laboratories, Mayo Clinic
Classification: Benign. Last evaluated: 2025-04-02. Review status: criteria provided, single submitter. Criteria: ACMG Guidelines, 2015. Collection method: clinical testing. Allele origin: germline. Observed: 1 variant allele. Not counted in ClinVar's aggregate classification.
Comment: BA1, BP4, BP6, BP7

KCCC/NGS Laboratory, Kuwait Cancer Control Center
Classification: Benign for Hereditary thrombocytopenia and hematological cancer predisposition syndrome associated with RUNX1. Last evaluated: 2025-02-01. Review status: criteria provided, single submitter. Criteria: ACMG Guidelines, 2015. Collection method: clinical testing. Allele origin: germline. Affected: no. Not counted in ClinVar's aggregate classification.

Blueprint Genetics
Classification: Likely benign. Last evaluated: 2024-10-22. Review status: criteria provided, single submitter. Criteria: ACMG Guidelines, 2015. Collection method: clinical testing. Allele origin: germline. Not counted in ClinVar's aggregate classification.

Ambry Genetics
Classification: Likely benign for Inborn genetic diseases. Last evaluated: 2024-08-21. Review status: criteria provided, single submitter. Criteria: Ambry Variant Classification Scheme 2023. Collection method: clinical testing. Allele origin: germline. Not counted in ClinVar's aggregate classification.

KCCC/NGS Laboratory, Kuwait Cancer Control Center
Classification: Benign for Acute myeloid leukemia. Last evaluated: 2023-07-07. Review status: criteria provided, single submitter. Criteria: ACMG Guidelines, 2015. Collection method: clinical testing. Allele origin: germline. Affected: yes. Not counted in ClinVar's aggregate classification.

Sema4
Classification: Benign for Hereditary cancer-predisposing syndrome. Last evaluated: 2020-07-20. Review status: criteria provided, single submitter. Criteria: Sema4 Curation Guidelines. Collection method: curation. Allele origin: germline. Not counted in ClinVar's aggregate classification.

Genetic Services Laboratory, University of Chicago
Classification: Benign. Last evaluated: 2020-01-13. Review status: criteria provided, single submitter. Criteria: ACMG Guidelines, 2015. Collection method: clinical testing. Allele origin: germline. Affected: no. Not counted in ClinVar's aggregate classification.

Baylor Genetics
Classification: Uncertain significance for Acute myeloid leukemia. Last evaluated: 2018-01-17. Review status: criteria provided, single submitter. Criteria: ACMG Guidelines, 2015. Collection method: clinical testing. Allele origin: paternal. Affected: yes. Not counted in ClinVar's aggregate classification.
Comment: This variant was determined to be of uncertain significance according to ACMG Guidelines, 2015 [PMID:25741868].

Illumina Laboratory Services, Illumina
Classification: Benign for Hereditary thrombocytopenia and hematological cancer predisposition syndrome associated with RUNX1. Last evaluated: 2018-01-12. Review status: criteria provided, single submitter. Criteria: ICSL Variant Classification Criteria 13 December 2019. Collection method: clinical testing. Allele origin: germline. Not counted in ClinVar's aggregate classification.
Comment: This variant was observed in the ICSL laboratory as part of a predisposition screen in an ostensibly healthy population. It had not been previously curated by ICSL or reported in the Human Gene Mutation Database (HGMD: prior to June 1st, 2018), and was therefore a candidate for classification through an automated scoring system. Utilizing variant allele frequency, disease prevalence and penetrance estimates, and inheritance mode, an automated score was calculated to assess if this variant is too frequent to cause the disease. Based on the score and internal cut-off values, a variant classified as benign is not then subjected to further curation. The score for this variant resulted in a classification of benign for this disease.

PreventionGenetics, part of Exact Sciences
Classification: Likely benign. Last evaluated: 2017-09-06. Review status: criteria provided, single submitter. Criteria: ACMG Guidelines, 2015. Collection method: clinical testing. Allele origin: germline. Not counted in ClinVar's aggregate classification.

Breakthrough Genomics
Classification: Benign. Review status: criteria provided, single submitter. Criteria: ACMG Guidelines, 2015. Collection method: not provided. Allele origin: germline. Inheritance: Autosomal dominant inheritance. Affected: yes. Not counted in ClinVar's aggregate classification.